The following is an entry in ClinVar:

ClinVar aggregate classification (germline): Benign (1 of 4 stars; one submission).

Allele frequency attached by ClinVar (database versions not stated): gnomAD 0.03536 and 0.03649; 1000 Genomes Project 0.04273; TOPMed 0.04392; 1000 Genomes Project 30x 0.04560.
gnomAD v4.1: 3,819 of 109,030 alleles (3.5%); highest among the groups gnomAD compares: African/African-American, 12%; 259 homozygotes.

Submission:

GeneDx
Classification: Benign. Last evaluated: 2018-06-14. Review status: criteria provided, single submitter. Criteria: GeneDx Variant Classification (06012015). Collection method: clinical testing. Allele origin: germline. Affected: yes.
Comment: This variant is considered likely benign or benign based on one or more of the following criteria: it is a conservative change, it occurs at a poorly conserved position in the protein, it is predicted to be benign by multiple in silico algorithms, and/or has population frequency not consistent with disease.

NM_007327.4(GRIN1):c.1467+182C>T

Gene: GRIN1 (glutamate ionotropic receptor NMDA type subunit 1; plus strand). Cytogenetic location: 9q34.3.
Variant type: single nucleotide variant.
Coding change: c.1467+182C>T on transcript NM_007327.4 (MANE Select); 182 bases into the intron after coding-DNA position 1467, C replaced by T.
Molecular consequence: intron variant.
Genome position (GRCh38, 1-based): chr9:137,161,598, C>T. VCF-style: chr9-137161598-C-T. GRCh37 (hg19) VCF-style: chr9-140056050-C-T.
Other names: c.1530+182C>T (NM_001185090.2, NM_001185091.2); c.1467+182C>T (NM_021569.4, NM_000832.7).
Identifiers: ClinVar variation 677396 (VCV000677396.1), dbSNP rs143767330, ClinGen allele CA201686782.